The following is an entry in ClinVar:

ClinVar aggregate classification (germline): Uncertain significance (1 of 4 stars; one submission).

Submission:

GeneDx
Classification: Uncertain significance. Last evaluated: 2020-02-17. Review status: criteria provided, single submitter. Criteria: GeneDx Variant Classification Process June 2021. Collection method: clinical testing. Allele origin: germline. Affected: yes.
Comment: Not observed in large population cohorts (Lek et al., 2016); In silico analysis supports that this missense variant has a deleterious effect on protein structure/function; Has not been previously published as pathogenic or benign to our knowledge

NM_152296.5(ATP1A3):c.1445T>G (p.Ile482Ser)

Gene: ATP1A3 (ATPase Na+/K+ transporting subunit alpha 3; minus strand). Cytogenetic location: 19q13.2.
Variant type: single nucleotide variant.
Coding change: c.1445T>G on transcript NM_152296.5 (MANE Select); coding-DNA position 1445, T replaced by G.
Protein change: p.Ile482Ser; replaces isoleucine 482 with serine.
Molecular consequence: missense variant.
Genome position (GRCh38, 1-based): chr19:41,978,791, A>C on the plus strand (T>G on the coding strand, the complement: ATP1A3 is on the minus strand). VCF-style: chr19-41978791-A-C. GRCh37 (hg19) VCF-style: chr19-42482943-A-C.
Other names: c.1478T>G, p.Ile493Ser (NM_001256213.2); c.1484T>G, p.Ile495Ser (NM_001256214.2); short protein forms I482S, I493S, I495S.
Identifiers: ClinVar variation 1315349 (VCV001315349.2), dbSNP rs2145966201, ClinGen allele CA406047578.